The following is an entry in ClinVar:

ClinVar aggregate classification (germline): Likely benign. Review status: criteria provided, multiple submitters, no conflicts (2 of 4 stars). 2 submissions from 2 submitters: Likely benign (2). Last evaluated 2023-05-02.

Conditions:
Muscular dystrophy-dystroglycanopathy (congenital with brain and eye anomalies), type A2. Also called: MUSCULAR DYSTROPHY-DYSTROGLYCANOPATHY (CONGENITAL WITH BRAIN AND EYE ANOMALIES), TYPE A, 2; WALKER-WARBURG SYNDROME OR MUSCLE-EYE-BRAIN DISEASE, POMT2-RELATED. Identifiers: Orphanet 588, Orphanet 899, MedGen C3150411, MONDO:0013154, OMIM 613150.
Muscular dystrophy-dystroglycanopathy (congenital with impaired intellectual development), type B, 2. Also called: Muscular dystrophy-dystroglycanopathy (congenital with intellectual disability), type B2; MUSCULAR DYSTROPHY, CONGENITAL, POMT2-RELATED. Identifiers: MedGen C3150416, MONDO:0013160, OMIM 613156.
Autosomal recessive limb-girdle muscular dystrophy type 2N. Also called: MUSCULAR DYSTROPHY-DYSTROGLYCANOPATHY, LIMB-GIRDLE, POMT2-RELATED; Muscular dystrophy-dystroglycanopathy (limb-girdle), type C, 2. Identifiers: Orphanet 206559, MedGen C3150418, MONDO:0013162, OMIM 613158.

Allele frequency attached by ClinVar (database versions not stated): TOPMed 0.00001; gnomAD 0.00001.

Submissions (2):

Labcorp Genetics (formerly Invitae), Labcorp
Classification: Likely benign for Muscular dystrophy-dystroglycanopathy (congenital with impaired intellectual development), type B, 2; Muscular dystrophy-dystroglycanopathy (congenital with brain and eye anomalies), type A2; Autosomal recessive limb-girdle muscular dystrophy type 2N. Last evaluated: 2023-05-02. Review status: criteria provided, single submitter. Criteria: Invitae Variant Classification Sherloc (09022015). Collection method: clinical testing. Allele origin: germline.

GeneDx
Classification: Likely benign. Last evaluated: 2016-11-25. Review status: criteria provided, single submitter. Criteria: GeneDx Variant Classification (06012015). Collection method: clinical testing. Allele origin: germline. Affected: yes.
Comment: This variant is considered likely benign or benign based on one or more of the following criteria: it is a conservative change, it occurs at a poorly conserved position in the protein, it is predicted to be benign by multiple in silico algorithms, and/or has population frequency not consistent with disease.

NM_013382.7(POMT2):c.1726-15G>C

Gene: POMT2 (protein O-mannosyltransferase 2; minus strand). Cytogenetic location: 14q24.3.
Variant type: single nucleotide variant.
Coding change: c.1726-15G>C on transcript NM_013382.7 (MANE Select); 15 bases into the intron before coding-DNA position 1726, G replaced by C.
Molecular consequence: intron variant.
Genome position (GRCh38, 1-based): chr14:77,280,095, C>G on the plus strand (G>C on the coding strand, the complement: POMT2 is on the minus strand). VCF-style: chr14-77280095-C-G. GRCh37 (hg19) VCF-style: chr14-77746438-C-G.
Identifiers: ClinVar variation 391239 (VCV000391239.9), dbSNP rs1057524013, ClinGen allele CA16607710.